The following is an entry in ClinVar:

NM_001001433.3(STX16):c.*2057G>A

Genes: STX16 (syntaxin 16; plus strand), STX16-NPEPL1 (STX16-NPEPL1 readthrough (NMD candidate); plus strand). Cytogenetic location: 20q13.32.
Variant type: single nucleotide variant.
Coding change: c.*2057G>A on transcript NM_001001433.3 (MANE Select); 2057 bases downstream of the stop codon, G replaced by A.
Molecular consequence: 3 prime UTR variant. On other transcripts: non-coding transcript variant (3).
Genome position (GRCh38, 1-based): chr20:58,678,348, G>A. VCF-style: chr20-58678348-G-A. GRCh37 (hg19) VCF-style: chr20-57253404-G-A.
Other names: c.*2057G>A (NM_001134772.3, NM_001134773.3, NM_001204868.2 and 1 more transcripts).
Identifiers: ClinVar variation 339089 (VCV000339089.6), dbSNP rs7683, ClinGen allele CA10653309.

ClinVar aggregate classification (germline): Benign. Review status: criteria provided, multiple submitters, no conflicts (2 of 4 stars). 2 submissions from 2 submitters: Benign (2). Last evaluated 2018-01-12.

Conditions:
Pseudohypoparathyroidism type 1B (PHP1B). Also called: PHP IB; Pseudohypoparathyroidism Ib (PHP-Ib); Pseudohypoparathyroidism Type IB. Identifiers: Orphanet 94089, MedGen C1864100, MONDO:0011301, OMIM 603233.

Allele frequency attached by ClinVar (database versions not stated): 1000 Genomes Project 30x 0.38648; 1000 Genomes Project 0.39297; TOPMed 0.41496; gnomAD 0.42733; gnomAD exomes 0.70000.

Submissions (2):

Illumina Laboratory Services, Illumina
Classification: Benign for Pseudohypoparathyroidism type 1B. Last evaluated: 2018-01-12. Review status: criteria provided, single submitter. Criteria: ICSL Variant Classification Criteria 13 December 2019. Collection method: clinical testing. Allele origin: germline.
Comment: This variant was observed in the ICSL laboratory as part of a predisposition screen in an ostensibly healthy population. It had not been previously curated by ICSL or reported in the Human Gene Mutation Database (HGMD: prior to June 1st, 2018), and was therefore a candidate for classification through an automated scoring system. Utilizing variant allele frequency, disease prevalence and penetrance estimates, and inheritance mode, an automated score was calculated to assess if this variant is too frequent to cause the disease. Based on the score and internal cut-off values, a variant classified as benign is not then subjected to further curation. The score for this variant resulted in a classification of benign for this disease.

Breakthrough Genomics
Classification: Benign. Review status: criteria provided, single submitter. Criteria: ACMG Guidelines, 2015. Collection method: not provided. Allele origin: germline. Inheritance: Autosomal dominant inheritance. Affected: yes.